The following is an entry in ClinVar:

ClinVar aggregate classification (germline): Uncertain significance (1 of 4 stars; one submission).

Conditions:
Developmental and epileptic encephalopathy 109 (DEE109). Identifiers: MedGen C5774263, MONDO:0859325, OMIM 620145.

gnomAD v4.1: 6 of 1,516,318 alleles (0.0004%); highest among the groups gnomAD compares: Admixed American, 0.002%; no homozygotes.

Submission:

Dasa
Classification: Uncertain significance for Developmental and epileptic encephalopathy 109. Last evaluated: 2026-02-19. Review status: criteria provided, single submitter. Criteria: DASA Assertion Criteria. Collection method: clinical testing. Allele origin: germline.
Comment: NM_016263.4(FZR1):c.985G>A (p.Ala329Thr) is a missense variant that results in the substitution of alanine with threonine. This variant is rare in population databases. Computational prediction algorithms are consistent with a deleterious effect. The currently available literature and clinical evidence are not sufficient to establish a definitive association between this variant and the reported condition. Therefore, this variant is classified as a variant of uncertain significance.

NM_016263.4(FZR1):c.985G>A (p.Ala329Thr)

Gene: FZR1 (fizzy and cell division cycle 20 related 1; plus strand). Cytogenetic location: 19p13.3.
Variant type: single nucleotide variant.
Coding change: c.985G>A on transcript NM_016263.4 (MANE Select); coding-DNA position 985, G replaced by A.
Protein change: p.Ala329Thr; replaces alanine 329 with threonine.
Molecular consequence: missense variant.
Genome position (GRCh38, 1-based): chr19:3,532,072, G>A. VCF-style: chr19-3532072-G-A. GRCh37 (hg19) VCF-style: chr19-3532070-G-A.
Other names: c.718G>A, p.Ala240Thr (NM_001136197.1); c.985G>A, p.Ala329Thr (NM_001136198.1); short protein forms A240T, A329T.
Identifiers: ClinVar variation 4883601 (VCV004883601.2).